The following is an entry in ClinVar:

ClinVar aggregate classification (germline): Pathogenic (1 of 4 stars; one submission).

Conditions:
Hereditary cancer-predisposing syndrome. Also called: Neoplastic Syndromes, Hereditary; Tumor predisposition; Hereditary Cancer Syndrome; Hereditary neoplastic syndrome. Identifiers: Orphanet 140162, MedGen C0027672, MeSH D009386, MONDO:0015356.

Submission:

Ambry Genetics
Classification: Pathogenic for Hereditary cancer-predisposing syndrome. Last evaluated: 2020-06-01. Review status: criteria provided, single submitter. Criteria: Ambry Variant Classification Scheme 2023. Collection method: clinical testing. Allele origin: germline.
Comment: The c.3824_3831delGTGAAGAC pathogenic mutation, located in coding exon 9 of the MSH6 gene, results from a deletion of 8 nucleotides at nucleotide positions 3824 to 3831, causing a translational frameshift with a predicted alternate stop codon (p.C1275Sfs*11). This alteration is expected to result in loss of function by premature protein truncation or nonsense-mediated mRNA decay. As such, this alteration is interpreted as a disease-causing mutation.

Literature cited by the submitters: PubMed 22493294.

NM_000179.3(MSH6):c.3824_3831del (p.Cys1275fs)

Gene: MSH6 (mutS homolog 6; plus strand). Cytogenetic location: 2p16.3.
Variant type: Deletion.
Coding change: c.3824_3831del on transcript NM_000179.3 (MANE Select); coding-DNA positions 3824 to 3831, 8 bases deleted (GTGAAGAC; older notation c.3824_3831delGTGAAGAC).
Protein change: p.Cys1275fs; shifts the reading frame from cysteine 1275.
Molecular consequence: frameshift variant.
Genome position (GRCh38, 1-based): chr2:47,806,474-47,806,481, GTGAAGAC deleted. VCF-style (leftmost placement, unchanged base first): chr2-47806473-TGTGAAGAC-T. GRCh37 (hg19) VCF-style: chr2-48033612-TGTGAAGAC-T.
Other names: c.3434_3441del, p.Cys1145fs (NM_001281492.2); c.2918_2925del, p.Cys973fs (NM_001281493.2, NM_001281494.2); c.3920_3927delGTGAAGAC, p.Cys1307Serfs (NM_001406795.1); c.3824_3831delGTGAAGAC, p.Cys1275Serfs (NM_001406796.1, NM_001406808.1, NM_001406809.1); c.3527_3534delGTGAAGAC, p.Cys1176Serfs (NM_001406797.1, NM_001406801.1, NM_001406805.1 and 10 more transcripts); c.3650_3657delGTGAAGAC, p.Cys1217Serfs (NM_001406798.1); c.3299_3306delGTGAAGAC, p.Cys1100Serfs (NM_001406799.1, NM_001406806.1, NM_001406807.1); c.3811_3818delGTGAAGAC, p.Val1271Profs (NM_001406800.1); and 9 more; short protein forms C1145fs, C1275fs, C973fs.
Identifiers: ClinVar variation 1735287 (VCV001735287.2), dbSNP rs2530856638, ClinGen allele CA2580067385.